The following is an entry in ClinVar:

ClinVar aggregate classification (germline): Likely pathogenic. Review status: criteria provided, single submitter (1 of 4 stars). 2 submissions from 2 submitters: Likely pathogenic (1). 1 of the submissions does not count toward it. Last evaluated 2022-12-18.

Conditions:
Primary pulmonary hypertension. Also called: Idiopathic pulmonary hypertension. Identifiers: MedGen C0152171.
Pulmonary arterial hypertension. Identifiers: Orphanet 182090, MedGen C2973725, MeSH D000081029, MONDO:0015924, HP:0002092.
Drug- or toxin-induced pulmonary arterial hypertension. Identifiers: Orphanet 275786, MedGen C0340544, MONDO:0017149.
Pulmonary arterial hypertension associated with another disease. Identifiers: Orphanet 275791, MedGen C5679756, MONDO:0017150.

Submissions (2):

Labcorp Genetics (formerly Invitae), Labcorp
Classification: Likely pathogenic for Primary pulmonary hypertension. Last evaluated: 2022-12-18. Review status: criteria provided, single submitter. Criteria: Invitae Variant Classification Sherloc (09022015). Collection method: clinical testing. Allele origin: germline.
Comment: ClinVar contains an entry for this variant (Variation ID: 1339375). In summary, the currently available evidence indicates that the variant is pathogenic, but additional data are needed to prove that conclusively. Therefore, this variant has been classified as Likely Pathogenic. Algorithms developed to predict the effect of sequence changes on RNA splicing suggest that this variant may disrupt the consensus splice site. This variant is not present in population databases (gnomAD no frequency). This sequence change affects an acceptor splice site in intron 3 of the BMPR2 gene. It is expected to disrupt RNA splicing. Variants that disrupt the donor or acceptor splice site typically lead to a loss of protein function (PMID: 16199547), and loss-of-function variants in BMPR2 are known to be pathogenic (PMID: 16429395). Disruption of this splice site has been observed in individual(s) with pulmonary arterial hypertension (Invitae).

Wendy Chung Laboratory, Boston Children's Hospital
No classification provided. Condition: Pulmonary arterial hypertension associated with another disease. Review status: no classification provided. Collection method: literature only. Allele origin: germline. Affected: yes. Not counted in ClinVar's aggregate classification.

Literature cited by the submitters: PubMed 16199547 (cited by Labcorp Genetics (formerly Invitae), Labcorp); PubMed 16429395 (cited by Labcorp Genetics (formerly Invitae), Labcorp); PubMed 31727138 (cited by Wendy Chung Laboratory, Boston Children's Hospital).

NM_001204.7(BMPR2):c.419-1G>T

Gene: BMPR2 (bone morphogenetic protein receptor type 2; plus strand). Cytogenetic location: 2q33.2.
Variant type: single nucleotide variant.
Coding change: c.419-1G>T on transcript NM_001204.7 (MANE Select); the canonical splice acceptor site of the intron before coding-DNA position 419, G replaced by T.
Molecular consequence: splice acceptor variant.
Genome position (GRCh38, 1-based): chr2:202,513,718, G>T. VCF-style: chr2-202513718-G-T. GRCh37 (hg19) VCF-style: chr2-203378441-G-T.
Identifiers: ClinVar variation 1339375 (VCV001339375.8), dbSNP rs2106002050, ClinGen allele CA350337794.
Genomic context (GRCh38, chr2:202,513,718, plus strand): 5'-CAGTATTTAACAAAATACTTTTTTAAAAAAAAATGACATTTCAAAATTTGTTTTCTTTTA[G>T]GTCCACCTCATTCATTTAACCGAGATGAGACAATAATCATTGCTTTGGCATCAGTCTCTG-3'